The following is an entry in ClinVar:

NM_007227.3(GPR45):c.136G>T (p.Val46Leu)

Gene: GPR45 (G protein-coupled receptor 45; plus strand). Cytogenetic location: 2q12.1.
Variant type: single nucleotide variant.
Coding change: c.136G>T on transcript NM_007227.3 (MANE Select); coding-DNA position 136, G replaced by T.
Protein change: p.Val46Leu; replaces valine 46 with leucine.
Molecular consequence: missense variant.
Genome position (GRCh38, 1-based): chr2:105,241,994, G>T. VCF-style: chr2-105241994-G-T. GRCh37 (hg19) VCF-style: chr2-105858451-G-T.
Other names: short protein forms V46L.
Identifiers: ClinVar variation 1352562 (VCV001352562.6), dbSNP rs768136880, ClinGen allele CA348099406.

ClinVar aggregate classification (germline): Uncertain significance (1 of 4 stars; one submission).

Submission:

Labcorp Genetics (formerly Invitae), Labcorp
Classification: Uncertain significance. Last evaluated: 2022-08-16. Review status: criteria provided, single submitter. Criteria: Invitae Variant Classification Sherloc (09022015). Collection method: clinical testing. Allele origin: germline.
Comment: This variant has not been reported in the literature in individuals affected with GPR45-related conditions. ClinVar contains an entry for this variant (Variation ID: 1352562). Algorithms developed to predict the effect of missense changes on protein structure and function (SIFT, PolyPhen-2, Align-GVGD) all suggest that this variant is likely to be tolerated. In summary, the available evidence is currently insufficient to determine the role of this variant in disease. Therefore, it has been classified as a Variant of Uncertain Significance. This variant is not present in population databases (gnomAD no frequency). This sequence change replaces valine, which is neutral and non-polar, with leucine, which is neutral and non-polar, at codon 46 of the GPR45 protein (p.Val46Leu).